The following is an entry in ClinVar:

ClinVar aggregate classification (germline): Likely pathogenic (1 of 4 stars; one submission).

Conditions:
Usher syndrome type 1 (USH1). Also called: RETINITIS PIGMENTOSA AND CONGENITAL DEAFNESS. Identifiers: Orphanet 231169, Orphanet 886, MedGen C1568247, MONDO:0010168, OMIM 276900.

Submission:

Myriad Genetics, Inc.
Classification: Likely pathogenic for Usher syndrome type 1. Last evaluated: 2022-01-08. Review status: criteria provided, single submitter. Criteria: Myriad Women's Health Autosomal Recessive and X-Linked Classification Criteria (2021). Collection method: clinical testing. Allele origin: unknown.
Comment: NM_000260.3(MYO7A):c.2648delA(E883Gfs*2) is expected to be pathogenic in the context of MYO7A-related disorders. This variant is predicted to lead to an abnormal or absent protein product due to the creation of a premature termination codon in MYO7A, a gene where loss-of-function variants are known to be pathogenic. Please note: this variant was assessed in the context of healthy population screening.

NM_000260.4(MYO7A):c.2648del (p.Glu883fs)

Gene: MYO7A (myosin VIIA; plus strand). Cytogenetic location: 11q13.5.
Variant type: Deletion.
Coding change: c.2648del on transcript NM_000260.4 (MANE Select); coding-DNA position 2648, one base deleted (A; older notation c.2648delA).
Protein change: p.Glu883fs; shifts the reading frame from glutamic acid 883.
Molecular consequence: frameshift variant.
Genome position (GRCh38, 1-based): chr11:77,180,435, A deleted. VCF-style (leftmost placement, unchanged base first): chr11-77180434-GA-G. GRCh37 (hg19) VCF-style: chr11-76891480-GA-G.
Other names: c.2648del, p.Glu883fs (NM_001127180.2); c.2615del, p.Glu872fs (NM_001369365.1); short protein forms E872fs, E883fs.
Identifiers: ClinVar variation 1723915 (VCV001723915.2), dbSNP rs2497186927, ClinGen allele CA2580084927.